The following is an entry in ClinVar:

ClinVar aggregate classification (germline): Uncertain significance. Review status: criteria provided, multiple submitters, no conflicts (2 of 4 stars). 2 submissions from 2 submitters: Uncertain significance (2). Last evaluated 2024-02-20.

Conditions:
Inborn genetic diseases. Identifiers: MedGen C0950123, MeSH D030342.

gnomAD v4.1: 1 of 1,613,194 alleles (0.000062%); highest among the groups gnomAD compares: Non-Finnish European, 0.000085%; no homozygotes.

Submissions (2):

Ambry Genetics
Classification: Uncertain significance for Inborn genetic diseases. Last evaluated: 2024-02-20. Review status: criteria provided, single submitter. Criteria: Ambry Variant Classification Scheme 2023. Collection method: clinical testing. Allele origin: germline.
Comment: The c.1157G>A (p.G386D) alteration is located in exon 14 (coding exon 14) of the CLCN7 gene. This alteration results from a G to A substitution at nucleotide position 1157, causing the glycine (G) at amino acid position 386 to be replaced by an aspartic acid (D). This variant was not reported in population-based cohorts in the Genome Aggregation Database (gnomAD). This amino acid position is highly conserved in available vertebrate species. This alteration is predicted to be deleterious by in silico analysis. Based on insufficient or conflicting evidence, the clinical significance of this alteration remains unclear.

Labcorp Genetics (formerly Invitae), Labcorp
Classification: Uncertain significance. Last evaluated: 2022-09-19. Review status: criteria provided, single submitter. Criteria: Invitae Variant Classification Sherloc (09022015). Collection method: clinical testing. Allele origin: germline.
Comment: In summary, the available evidence is currently insufficient to determine the role of this variant in disease. Therefore, it has been classified as a Variant of Uncertain Significance. Advanced modeling of protein sequence and biophysical properties (such as structural, functional, and spatial information, amino acid conservation, physicochemical variation, residue mobility, and thermodynamic stability) performed at Invitae indicates that this missense variant is expected to disrupt CLCN7 protein function. ClinVar contains an entry for this variant (Variation ID: 1473454). This variant has not been reported in the literature in individuals affected with CLCN7-related conditions. This variant is not present in population databases (gnomAD no frequency). This sequence change replaces glycine, which is neutral and non-polar, with aspartic acid, which is acidic and polar, at codon 386 of the CLCN7 protein (p.Gly386Asp).

NM_001287.6(CLCN7):c.1157G>A (p.Gly386Asp)

Gene: CLCN7 (chloride voltage-gated channel 7; minus strand). Cytogenetic location: 16p13.3.
Variant type: single nucleotide variant.
Coding change: c.1157G>A on transcript NM_001287.6 (MANE Select); coding-DNA position 1157, G replaced by A.
Protein change: p.Gly386Asp; replaces glycine 386 with aspartic acid.
Molecular consequence: missense variant.
Genome position (GRCh38, 1-based): chr16:1,453,891, C>T on the plus strand (G>A on the coding strand, the complement: CLCN7 is on the minus strand). VCF-style: chr16-1453891-C-T. GRCh37 (hg19) VCF-style: chr16-1503892-C-T.
Other names: c.1085G>A, p.Gly362Asp (NM_001114331.3); c.1157G>A (NM_001287.4); short protein forms G386D, G362D.
Identifiers: ClinVar variation 1473454 (VCV001473454.9), dbSNP rs1242987187, ClinGen allele CA394189448.